The following is an entry in ClinVar:

NM_001375567.1(FOCAD):c.2454G>C (p.Leu818Phe)

Gene: FOCAD (focadhesin; plus strand). Cytogenetic location: 9p21.3.
Variant type: single nucleotide variant.
Coding change: c.2454G>C on transcript NM_001375567.1 (MANE Select); coding-DNA position 2454, G replaced by C.
Protein change: p.Leu818Phe; replaces leucine 818 with phenylalanine.
Molecular consequence: missense variant.
Genome position (GRCh38, 1-based): chr9:20,882,007, G>C. VCF-style: chr9-20882007-G-C. GRCh37 (hg19) VCF-style: chr9-20882006-G-C.
Other names: c.2349G>C, p.Leu783Phe (NM_001375568.1, NM_001375570.1); c.2454G>C, p.Leu818Phe (NM_017794.5); short protein forms L783F, L818F.
Identifiers: ClinVar variation 4804196 (VCV004804196.1).
Genomic context (GRCh38, chr9:20,882,007, plus strand): 5'-AAAAGGAGGTGCCCGCTCAGACCAAGGAAAGACTGTAGCAGGAATCCCCAATTTTATATT[G>C]AAAATGTATGAAACAAACAAGCAACCAGGACTGAAACCTGGCCTTGCAGGTAAGGGTAGT-3'
Protein context (NP_001362496.1, residues 808-828): KTVAGIPNFI[Leu818Phe]KMYETNKQPG

ClinVar aggregate classification (germline): Uncertain significance (1 of 4 stars; one submission).

gnomAD v4.1: 73 of 1,613,730 alleles (0.0045%); highest among the groups gnomAD compares: Non-Finnish European, 0.0059%; no homozygotes.

Submission:

Labcorp Genetics (formerly Invitae), Labcorp
Classification: Uncertain significance. Last evaluated: 2025-10-23. Review status: criteria provided, single submitter. Criteria: Invitae Variant Classification Sherloc (09022015). Collection method: clinical testing. Allele origin: germline.
Comment: This sequence change replaces leucine, which is neutral and non-polar, with phenylalanine, which is neutral and non-polar, at codon 818 of the FOCAD protein (p.Leu818Phe). The frequency data for this variant in the population databases is considered unreliable, as metrics indicate poor data quality at this position in the gnomAD database. This variant has not been reported in the literature in individuals affected with FOCAD-related conditions. Experimental studies and prediction algorithms are not available or were not evaluated, and the functional significance of this variant is currently unknown. In summary, the available evidence is currently insufficient to determine the role of this variant in disease. Therefore, it has been classified as a Variant of Uncertain Significance.